The following is an entry in ClinVar:

ClinVar aggregate classification (germline): Uncertain significance (0 of 4 stars; one submission).

Conditions:
GLS-related disorder. Also called: GLS-related condition.

Allele frequency attached by ClinVar (database versions not stated): TOPMed below 0.00001; gnomAD 0.00001; gnomAD exomes 0.00001.
gnomAD v4.1: 9 of 1,512,132 alleles (0.0006%); highest among the groups gnomAD compares: Non-Finnish European, 0.0008%; no homozygotes.

Submission:

PreventionGenetics, part of Exact Sciences
Classification: Uncertain significance for GLS-related condition. Last evaluated: 2024-01-17. Review status: no assertion criteria provided. Collection method: clinical testing. Allele origin: germline.
Comment: The GLS c.229T>G variant is predicted to result in the amino acid substitution p.Ser77Ala. To our knowledge, this variant has not been reported in the literature. This variant has not been reported in a sub-population within gnomAD. At this time, the clinical significance of this variant is uncertain due to the absence of conclusive functional and genetic evidence.

NM_014905.5(GLS):c.229T>G (p.Ser77Ala)

Gene: GLS (glutaminase; plus strand). Cytogenetic location: 2q32.2.
Variant type: single nucleotide variant.
Coding change: c.229T>G on transcript NM_014905.5 (MANE Select); coding-DNA position 229, T replaced by G.
Protein change: p.Ser77Ala; replaces serine 77 with alanine.
Molecular consequence: missense variant.
Genome position (GRCh38, 1-based): chr2:190,881,313, T>G. VCF-style: chr2-190881313-T-G. GRCh37 (hg19) VCF-style: chr2-191746039-T-G.
Other names: c.229T>G, p.Ser77Ala (NM_001256310.2); short protein forms S77A.
Identifiers: ClinVar variation 3032963 (VCV003032963.2), dbSNP rs1367964499, ClinGen allele CA349900296.